The following is an entry in ClinVar:

NM_020461.4(TUBGCP6):c.3402C>T (p.His1134=)

Gene: TUBGCP6 (tubulin gamma complex component 6; minus strand). Cytogenetic location: 22q13.33.
Variant type: single nucleotide variant.
Coding change: c.3402C>T on transcript NM_020461.4 (MANE Select); coding-DNA position 3402, C replaced by T.
Protein change: p.His1134=; no amino-acid change (histidine 1134 retained).
Molecular consequence: synonymous variant.
Genome position (GRCh38, 1-based): chr22:50,220,957, G>A on the plus strand (C>T on the coding strand, the complement: TUBGCP6 is on the minus strand). VCF-style: chr22-50220957-G-A. GRCh37 (hg19) VCF-style: chr22-50659386-G-A.
Identifiers: ClinVar variation 1103208 (VCV001103208.35), dbSNP rs116961572, ClinGen allele CA10307960.
Genomic context (GRCh38, chr22:50,220,957, plus strand): 5'-GGTGGGAGCCACGTCCGACACGTTCTCCCCAACCCTGATGCTGGCGTTGGACACGTGCCC[G>A]TGGGTATTCCACCGTGGCCTGGTGGGAGCCACATCTGACACATTCTCCCCGACCCTGATG-3'
Protein context (NP_065194.3, residues 1124-1144): VAPTRPRWNT[His1134=]GHVSNASIRV

ClinVar aggregate classification (germline): Likely benign. Review status: criteria provided, multiple submitters, no conflicts (2 of 4 stars). 3 submissions from 3 submitters: Likely benign (3). Last evaluated 2024-10-21.

Allele frequency attached by ClinVar (database versions not stated): ExAC 0.00001; gnomAD 0.00001 and 0.00002; gnomAD exomes 0.00002; TOPMed 0.00002; 1000 Genomes Project 30x 0.00016; 1000 Genomes Project 0.00020.
gnomAD v4.1: 19 of 1,604,022 alleles (0.0012%); highest among the groups gnomAD compares: Middle Eastern, 0.017%; no homozygotes.

Submissions (3):

Labcorp Genetics (formerly Invitae), Labcorp
Classification: Likely benign. Last evaluated: 2024-10-21. Review status: criteria provided, single submitter. Criteria: Invitae Variant Classification Sherloc (09022015). Collection method: clinical testing. Allele origin: germline.

Blueprint Genetics
Classification: Likely benign. Last evaluated: 2024-06-17. Review status: criteria provided, single submitter. Criteria: ACMG Guidelines, 2015. Collection method: clinical testing. Allele origin: germline.

CeGaT Center for Human Genetics Tuebingen
Classification: Likely benign. Last evaluated: 2023-04-01. Review status: criteria provided, single submitter. Criteria: CeGaT Center For Human Genetics Tuebingen Variant Classification Criteria Version 2. Collection method: clinical testing. Allele origin: germline. Affected: yes. Observed: 1 variant allele.
Comment: TUBGCP6: BP4, BP7